The following is an entry in ClinVar:

ClinVar aggregate classification (germline): Likely benign (0 of 4 stars; one submission).

Conditions:
TUBB4B-related disorder. Also called: TUBB4B-related condition.

Allele frequency attached by ClinVar (database versions not stated): TOPMed below 0.00001; gnomAD exomes 0.00002; ExAC 0.00003.
gnomAD v4.1: 23 of 1,612,928 alleles (0.0014%); highest among the groups gnomAD compares: Middle Eastern, 0.017%; no homozygotes.

Submission:

PreventionGenetics, part of Exact Sciences
Classification: Likely benign for TUBB4B-related condition. Last evaluated: 2019-04-22. Review status: no assertion criteria provided. Collection method: clinical testing. Allele origin: germline.
Comment: This variant is classified as likely benign based on ACMG/AMP sequence variant interpretation guidelines (Richards et al. 2015 PMID: 25741868, with internal and published modifications).

NM_006088.6(TUBB4B):c.817C>T (p.Leu273=)

Gene: TUBB4B (tubulin beta 4B class IVb; plus strand). Cytogenetic location: 9q34.3.
Variant type: single nucleotide variant.
Coding change: c.817C>T on transcript NM_006088.6 (MANE Select); coding-DNA position 817, C replaced by T.
Protein change: p.Leu273=; no amino-acid change (leucine 273 retained).
Molecular consequence: synonymous variant.
Genome position (GRCh38, 1-based): chr9:137,243,035, C>T. VCF-style: chr9-137243035-C-T. GRCh37 (hg19) VCF-style: chr9-140137487-C-T.
Identifiers: ClinVar variation 3046952 (VCV003046952.2), dbSNP rs758179543, ClinGen allele CA5365410.
Genomic context (GRCh38, chr9:137,243,035, plus strand): 5'-CTGGCTGTGAACATGGTCCCGTTTCCCCGGCTGCACTTCTTCATGCCCGGCTTTGCCCCA[C>T]TGACCAGCCGGGGCAGCCAGCAGTACCGGGCGCTGACCGTGCCCGAGCTCACCCAGCAGA-3'
Protein context (NP_006079.1, residues 263-283): LHFFMPGFAP[Leu273=]TSRGSQQYRA